The following is an entry in ClinVar:

NM_005557.4(KRT16):c.380G>T (p.Arg127Leu)

Gene: KRT16 (keratin 16; minus strand). Cytogenetic location: 17q21.2.
Variant type: single nucleotide variant.
Coding change: c.380G>T on transcript NM_005557.4 (MANE Select); coding-DNA position 380, G replaced by T.
Protein change: p.Arg127Leu; replaces arginine 127 with leucine.
Molecular consequence: missense variant.
Genome position (GRCh38, 1-based): chr17:41,612,309, C>A on the plus strand (G>T on the coding strand, the complement: KRT16 is on the minus strand). VCF-style: chr17-41612309-C-A. GRCh37 (hg19) VCF-style: chr17-39768561-C-A.
Other names: short protein forms R127L.
Identifiers: ClinVar variation 2972863 (VCV002972863.3), dbSNP rs57424749, ClinGen allele CA399494773.

ClinVar aggregate classification (germline): Uncertain significance (1 of 4 stars; one submission).

Submission:

Labcorp Genetics (formerly Invitae), Labcorp
Classification: Uncertain significance. Last evaluated: 2023-11-12. Review status: criteria provided, single submitter. Criteria: Invitae Variant Classification Sherloc (09022015). Collection method: clinical testing. Allele origin: germline.
Comment: This sequence change replaces arginine, which is basic and polar, with leucine, which is neutral and non-polar, at codon 127 of the KRT16 protein (p.Arg127Leu). This variant is not present in population databases (gnomAD no frequency). This missense change has been observed in individuals with clinical features of autosomal dominant pachyonychia congenita (PMID: 31823354; Invitae). Advanced modeling of protein sequence and biophysical properties (such as structural, functional, and spatial information, amino acid conservation, physicochemical variation, residue mobility, and thermodynamic stability) has been performed at Invitae for this missense variant, however the output from this modeling did not meet the statistical confidence thresholds required to predict the impact of this variant on KRT16 protein function. This variant disrupts the p.Arg127 amino acid residue in KRT16. Other variant(s) that disrupt this residue have been determined to be pathogenic (PMID: 8595410, 31823354). This suggests that this residue is clinically significant, and that variants that disrupt this residue are likely to be disease-causing. In summary, the available evidence is currently insufficient to determine the role of this variant in disease. Therefore, it has been classified as a Variant of Uncertain Significance.

Literature cited by the submitters: PubMed 31823354; PubMed 8595410.